The following is an entry in ClinVar:

ClinVar aggregate classification (germline): Uncertain significance (1 of 4 stars; one submission).

Submission:

Labcorp Genetics (formerly Invitae), Labcorp
Classification: Uncertain significance. Last evaluated: 2025-02-06. Review status: criteria provided, single submitter. Criteria: Invitae Variant Classification Sherloc (09022015). Collection method: clinical testing. Allele origin: germline.
Comment: This sequence change replaces tryptophan, which is neutral and slightly polar, with cysteine, which is neutral and slightly polar, at codon 110 of the SLC25A4 protein (p.Trp110Cys). This variant is not present in population databases (gnomAD no frequency). This variant has not been reported in the literature in individuals affected with SLC25A4-related conditions. An algorithm developed to predict the effect of missense changes on protein structure and function (PolyPhen-2) suggests that this variant is likely to be disruptive. In summary, the available evidence is currently insufficient to determine the role of this variant in disease. Therefore, it has been classified as a Variant of Uncertain Significance.

NM_001151.4(SLC25A4):c.330G>T (p.Trp110Cys)

Gene: SLC25A4 (solute carrier family 25 member 4; plus strand). Cytogenetic location: 4q35.1.
Variant type: single nucleotide variant.
Coding change: c.330G>T on transcript NM_001151.4 (MANE Select); coding-DNA position 330, G replaced by T.
Protein change: p.Trp110Cys; replaces tryptophan 110 with cysteine.
Molecular consequence: missense variant.
Genome position (GRCh38, 1-based): chr4:185,144,982, G>T. VCF-style: chr4-185144982-G-T. GRCh37 (hg19) VCF-style: chr4-186066136-G-T.
Other names: short protein forms W110C.
Identifiers: ClinVar variation 4712448 (VCV004712448.1).